The following is an entry in ClinVar:

NM_001242.5(CD27):c.388G>A (p.Ala130Thr)

Genes: CD27 (CD27 molecule; plus strand), CD27-AS1 (CD27 antisense RNA 1; minus strand). Cytogenetic location: 12p13.31.
Variant type: single nucleotide variant.
Coding change: c.388G>A on transcript NM_001242.5 (MANE Select); coding-DNA position 388, G replaced by A.
Protein change: p.Ala130Thr; replaces alanine 130 with threonine.
Molecular consequence: missense variant.
Genome position (GRCh38, 1-based): chr12:6,450,292, G>A. VCF-style: chr12-6450292-G-A. GRCh37 (hg19) VCF-style: chr12-6559458-G-A.
Other names: p.Ala130Thr; c.388G>A (NM_001242.4); short protein forms A130T.
Identifiers: ClinVar variation 1439434 (VCV001439434.6), dbSNP rs143035415, ClinGen allele CA6406955.

ClinVar aggregate classification (germline): Conflicting classifications of pathogenicity. Review status: criteria provided, conflicting classifications (1 of 4 stars). 3 submissions from 3 submitters: Uncertain significance (2); Likely benign (1). Last evaluated 2025-09-26.

Conditions:
Inborn genetic diseases. Identifiers: MedGen C0950123, MeSH D030342.
Lymphoproliferative syndrome 2 (LPFS2). Also called: Combined immunodeficiency due to CD27 deficiency; CD27 DEFICIENCY. Identifiers: Orphanet 238505, MedGen C3554540, MONDO:0014054, OMIM 615122.

Allele frequency attached by ClinVar (database versions not stated): gnomAD exomes 0.00001 and 0.00002; TOPMed 0.00003; ExAC 0.00002; ESP Exome Variant Server 0.00008; gnomAD 0.00002.

Submissions (3):

Mayo Clinic Laboratories, Mayo Clinic
Classification: Uncertain significance. Last evaluated: 2025-09-26. Review status: criteria provided, single submitter. Criteria: ACMG Guidelines, 2015. Collection method: clinical testing. Allele origin: germline. Observed: 1 variant allele.
Comment: BP4_moderate, PM2_supporting

Ambry Genetics
Classification: Likely benign for Inborn genetic diseases. Last evaluated: 2023-04-12. Review status: criteria provided, single submitter. Criteria: Ambry Variant Classification Scheme 2023. Collection method: clinical testing. Allele origin: germline.

Labcorp Genetics (formerly Invitae), Labcorp
Classification: Uncertain significance for Lymphoproliferative syndrome 2. Last evaluated: 2021-08-11. Review status: criteria provided, single submitter. Criteria: Invitae Variant Classification Sherloc (09022015). Collection method: clinical testing. Allele origin: germline.
Comment: This sequence change replaces alanine with threonine at codon 130 of the CD27 protein (p.Ala130Thr). The alanine residue is weakly conserved and there is a small physicochemical difference between alanine and threonine. This variant is present in population databases (rs143035415, ExAC 0.003%). This variant has not been reported in the literature in individuals affected with CD27-related conditions. Algorithms developed to predict the effect of missense changes on protein structure and function output the following: SIFT: "Tolerated"; PolyPhen-2: "Benign"; Align-GVGD: "Class C0". The threonine amino acid residue is found in multiple mammalian species, which suggests that this missense change does not adversely affect protein function. In summary, the available evidence is currently insufficient to determine the role of this variant in disease. Therefore, it has been classified as a Variant of Uncertain Significance.